The following is an entry in ClinVar:

ClinVar aggregate classification (germline): Uncertain significance (1 of 4 stars; one submission).

gnomAD v4.1: 1 of 1,210,509 alleles (0.000083%); highest among the groups gnomAD compares: Non-Finnish European, 0.00011%; no homozygotes.

Submission:

CeGaT Center for Human Genetics Tuebingen
Classification: Uncertain significance. Last evaluated: 2026-04-01. Review status: criteria provided, single submitter. Criteria: CeGaT Center For Human Genetics Tuebingen Variant Classification Criteria Version 2. Collection method: clinical testing. Allele origin: germline. Affected: yes. Observed: 1 variant allele.
Comment: BCORL1: PM2, BP4

NM_001379451.1(BCORL1):c.351C>G (p.Ser117Arg)

Gene: BCORL1 (BCL6 corepressor like 1; plus strand). Cytogenetic location: Xq26.1.
Variant type: single nucleotide variant.
Coding change: c.351C>G on transcript NM_001379451.1 (MANE Select); coding-DNA position 351, C replaced by G.
Protein change: p.Ser117Arg; replaces serine 117 with arginine.
Molecular consequence: missense variant.
Genome position (GRCh38, 1-based): chrX:130,013,123, C>G. VCF-style: chrX-130013123-C-G. GRCh37 (hg19) VCF-style: chrX-129147099-C-G.
Other names: c.351C>G, p.Ser117Arg (NM_001184772.3, NM_001379450.1, NM_001441326.1 and 7 more transcripts); short protein forms S117R.
Identifiers: ClinVar variation 4873475 (VCV004873475.2).